The following is an entry in ClinVar:

NM_016038.4(SBDS):c.674A>C (p.Lys225Thr)

Gene: SBDS (SBDS ribosome maturation factor; minus strand). Cytogenetic location: 7q11.21.
Variant type: single nucleotide variant.
Coding change: c.674A>C on transcript NM_016038.4 (MANE Select); coding-DNA position 674, A replaced by C.
Protein change: p.Lys225Thr; replaces lysine 225 with threonine.
Molecular consequence: missense variant.
Genome position (GRCh38, 1-based): chr7:66,988,450, T>G on the plus strand (A>C on the coding strand, the complement: SBDS is on the minus strand). VCF-style: chr7-66988450-T-G. GRCh37 (hg19) VCF-style: chr7-66453437-T-G.
Other names: short protein forms K225T.
Identifiers: ClinVar variation 4159796 (VCV004159796.1).

ClinVar aggregate classification (germline): Uncertain significance (1 of 4 stars; one submission).

Conditions:
Inborn genetic diseases. Identifiers: MedGen C0950123, MeSH D030342.

Submission:

Ambry Genetics
Classification: Uncertain significance for Inborn genetic diseases. Last evaluated: 2025-06-21. Review status: criteria provided, single submitter. Criteria: Ambry Variant Classification Scheme 2023. Collection method: clinical testing. Allele origin: germline.
Comment: The p.K225T variant (also known as c.674A>C), located in coding exon 5 of the SBDS gene, results from an A to C substitution at nucleotide position 674. The lysine at codon 225 is replaced by threonine, an amino acid with similar properties. This amino acid position is conserved. In addition, the in silico prediction for this alteration is inconclusive. Based on the available evidence, the clinical significance of this variant remains unclear.